The following is an entry in ClinVar:

NM_002457.5(MUC2):c.13308C>T (p.Gly4436=)

Gene: MUC2 (mucin 2, oligomeric mucus/gel-forming; plus strand). Cytogenetic location: 11p15.5.
Variant type: single nucleotide variant.
Coding change: c.13308C>T on transcript NM_002457.5 (MANE Select); coding-DNA position 13308, C replaced by T.
Protein change: p.Gly4436=; no amino-acid change (glycine 4436 retained).
Molecular consequence: synonymous variant.
Genome position (GRCh38, 1-based): chr11:1,102,436, C>T. VCF-style: chr11-1102436-C-T. GRCh37 (hg19) VCF-style: chr11-1096344-C-T.
Identifiers: ClinVar variation 2641156 (VCV002641156.24), dbSNP rs773913485, ClinGen allele CA5800792.

ClinVar aggregate classification (germline): Likely benign (1 of 4 stars; one submission).

Allele frequency attached by ClinVar (database versions not stated): TOPMed 0.00004; gnomAD 0.00006; ExAC 0.00009.

Submission:

CeGaT Center for Human Genetics Tuebingen
Classification: Likely benign. Last evaluated: 2023-03-01. Review status: criteria provided, single submitter. Criteria: CeGaT Center For Human Genetics Tuebingen Variant Classification Criteria Version 2. Collection method: clinical testing. Allele origin: germline. Affected: yes. Observed: 1 variant allele.
Comment: MUC2: BP4, BP7